The following is an entry in ClinVar:

ClinVar aggregate classification (germline): Uncertain significance (1 of 4 stars; one submission).

gnomAD v4.1: 7 of 1,613,476 alleles (0.00043%); highest among the groups gnomAD compares: African/African-American, 0.0053%; no homozygotes.

Submission:

Labcorp Genetics (formerly Invitae), Labcorp
Classification: Uncertain significance. Last evaluated: 2024-04-25. Review status: criteria provided, single submitter. Criteria: Invitae Variant Classification Sherloc (09022015). Collection method: clinical testing. Allele origin: germline.
Comment: This sequence change falls in intron 6 of the DNAJC17 gene. It does not directly change the encoded amino acid sequence of the DNAJC17 protein. This variant is present in population databases (rs758678413, gnomAD 0.007%). This variant has not been reported in the literature in individuals affected with DNAJC17-related conditions. Algorithms developed to predict the effect of sequence changes on RNA splicing suggest that this variant may disrupt the consensus splice site. In summary, the available evidence is currently insufficient to determine the role of this variant in disease. Therefore, it has been classified as a Variant of Uncertain Significance.

NM_018163.3(DNAJC17):c.479-10A>G

Gene: DNAJC17 (DnaJ heat shock protein family (Hsp40) member C17; minus strand). Cytogenetic location: 15q15.1.
Variant type: single nucleotide variant.
Coding change: c.479-10A>G on transcript NM_018163.3 (MANE Select); 10 bases into the intron before coding-DNA position 479, A replaced by G.
Molecular consequence: intron variant.
Genome position (GRCh38, 1-based): chr15:40,775,606, T>C on the plus strand (A>G on the coding strand, the complement: DNAJC17 is on the minus strand). VCF-style: chr15-40775606-T-C. GRCh37 (hg19) VCF-style: chr15-41067804-T-C.
Identifiers: ClinVar variation 3617916 (VCV003617916.2).